The following is an entry in ClinVar:

NM_000080.4(CHRNE):c.854T>C (p.Val285Ala)

Genes: C17orf107 (chromosome 17 open reading frame 107; plus strand), CHRNE (cholinergic receptor nicotinic epsilon subunit; minus strand). Cytogenetic location: 17p13.2.
Variant type: single nucleotide variant.
Coding change: c.854T>C on transcript NM_000080.4 (MANE Select); coding-DNA position 854, T replaced by C.
Protein change: p.Val285Ala; replaces valine 285 with alanine.
Molecular consequence: missense variant. On other transcripts: 3 prime UTR variant (1).
Genome position (GRCh38, 1-based): chr17:4,900,856, A>G on the plus strand (T>C on the coding strand, the complement: CHRNE is on the minus strand). VCF-style: chr17-4900856-A-G. GRCh37 (hg19) VCF-style: chr17-4804151-A-G.
Other names: c.*323A>G (NM_001145536.2); short protein forms V285A.
Identifiers: ClinVar variation 803298 (VCV000803298.2), dbSNP rs1597618787, ClinGen allele CA397304499.

ClinVar aggregate classification (germline): Pathogenic. Review status: criteria provided, single submitter (1 of 4 stars). 2 submissions from 2 submitters: Pathogenic (1). 1 of the submissions does not count toward it. Last evaluated 2019-05-28.

Conditions:
Congenital myasthenic syndrome 4C (CMS4C). Also called: Myasthenic syndrome, congenital, associated with acetylcholine receptor deficiency. Identifiers: Orphanet 590, MedGen C1837091, MONDO:0012157, OMIM 608931.
Congenital myasthenic syndrome 4A. Also called: CONGENITAL MYASTHENIC SYNDROME TYPE Ia1; Myasthenic syndrome, congenital, 4a, slow-channel; MYASTHENIC SYNDROME, CONGENITAL, 4A, SLOW-CHANNEL, AUTOSOMAL RECESSIVE. Identifiers: Orphanet 590, MedGen C4225413, MONDO:0011600, OMIM 605809.

Submissions (2):

Mendelics
Classification: Pathogenic for Congenital myasthenic syndrome 4A. Last evaluated: 2019-05-28. Review status: criteria provided, single submitter. Criteria: Mendelics Assertion Criteria 2017. Collection method: clinical testing. Allele origin: unknown.

Solve-RD Consortium
Classification: Likely pathogenic for Congenital myasthenic syndrome 4C. Last evaluated: 2022-06-01. Review status: no assertion criteria provided. Collection method: provider interpretation. Allele origin: inherited. Affected: yes. Not counted in ClinVar's aggregate classification.
Comment: Variant confirmed as disease-causing by referring clinical team

Variant identified during reanalysis of unsolved cases by the Solve-RD project. The Solve-RD project has received funding from the European Union’s Horizon 2020 research and innovation programme under grant agreement No 779257.

Literature cited by the submitters: PubMed 39825153 (cited by Solve-RD Consortium).